The following is an entry in ClinVar:

ClinVar aggregate classification (germline): Conflicting classifications of pathogenicity. Review status: criteria provided, conflicting classifications (1 of 4 stars). 8 submissions from 8 submitters: Uncertain significance (7); Likely benign (1). Last evaluated 2025-11-26.

Conditions:
Cardiovascular phenotype. Identifiers: MedGen CN230736.
Familial isolated arrhythmogenic right ventricular dysplasia. Identifiers: Orphanet 217656, MedGen C4274968, MONDO:0016342.
Cardiomyopathy (CMYO). Also called: Cardiomyopathies. Identifiers: Orphanet 167848, MedGen C0878544, MONDO:0004994, HP:0001638. Inheritance: Various modes of inheritance.
Arrhythmogenic right ventricular dysplasia 11. Also called: Arrhythmogenic Right Ventricular Dysplasia/Cardiomyopathy11; ARRHYTHMOGENIC RIGHT VENTRICULAR DYSPLASIA, FAMILIAL, 11; Arrhythmogenic right ventricular dysplasia 11 with mild palmoplantar keratoderma and woolly hair. Identifiers: MedGen C1864850, MONDO:0012506, OMIM 610476.

Allele frequency attached by ClinVar (database versions not stated): gnomAD 0.00002 and 0.00001; gnomAD exomes 0.00003 and 0.00007; TOPMed 0.00003; ExAC 0.00002.
gnomAD v4.1: 108 of 1,605,196 alleles (0.0067%); highest among the groups gnomAD compares: Non-Finnish European, 0.0084%; no homozygotes.

Submissions (8):

Labcorp Genetics (formerly Invitae), Labcorp
Classification: Uncertain significance for Arrhythmogenic right ventricular dysplasia 11. Last evaluated: 2025-11-26. Review status: criteria provided, single submitter. Criteria: Invitae Variant Classification Sherloc (09022015). Collection method: clinical testing. Allele origin: germline.
Comment: This sequence change replaces glycine, which is neutral and non-polar, with aspartic acid, which is acidic and polar, at codon 50 of the DSC2 protein (p.Gly50Asp). This variant is present in population databases (rs397517391, gnomAD 0.008%). This variant has not been reported in the literature in individuals affected with DSC2-related conditions. ClinVar contains an entry for this variant (Variation ID: 46166). Invitae Evidence Modeling of protein sequence and biophysical properties (such as structural, functional, and spatial information, amino acid conservation, physicochemical variation, residue mobility, and thermodynamic stability) indicates that this missense variant is expected to disrupt DSC2 protein function with a positive predictive value of 80%. In summary, the available evidence is currently insufficient to determine the role of this variant in disease. Therefore, it has been classified as a Variant of Uncertain Significance.

GeneDx
Classification: Uncertain significance. Last evaluated: 2025-04-15. Review status: criteria provided, single submitter. Criteria: GeneDx Variant Classification Process June 2021. Collection method: clinical testing. Allele origin: germline.
Comment: In silico analysis supports that this missense variant has a deleterious effect on protein structure/function; Has not been previously published as pathogenic or benign to our knowledge

Molecular Diagnostic Laboratory for Inherited Cardiovascular Disease, Montreal Heart Institute
Classification: Uncertain significance for Cardiovascular phenotype. Last evaluated: 2025-04-09. Review status: criteria provided, single submitter. Criteria: ACMG Guidelines, 2015. Collection method: clinical testing. Allele origin: germline. Affected: yes.
Comment: BS2

All of Us Research Program, National Institutes of Health
Classification: Uncertain significance for Familial isolated arrhythmogenic right ventricular dysplasia. Last evaluated: 2024-07-20. Review status: criteria provided, single submitter. Criteria: ACMG Guidelines, 2015. Collection method: clinical testing. Allele origin: germline. Inheritance: Autosomal dominant inheritance. Observed: 10 variant alleles, 10 heterozygotes.
Comment: This missense variant replaces glycine with aspartic acid at codon 50 of the DSC2 protein. Computational prediction suggests that this variant may not impact protein structure and function (internally defined REVEL score threshold <= 0.5, PMID: 27666373). To our knowledge, functional studies have not been reported for this variant. This variant has not been reported in individuals affected with cardiovascular disorders in the literature. This variant has been identified in 9/282702 chromosomes in the general population by the Genome Aggregation Database (gnomAD). The available evidence is insufficient to determine the role of this variant in disease conclusively. Therefore, this variant is classified as a Variant of Uncertain Significance.

This study involves interpretation of variants in research participants for the purpose of population health screening. Participant phenotype was not available at the time of variant classification. Additional details can be found in publication PMID: 35346344, PMCID: PMC8962531

Color Diagnostics, LLC DBA Color Health
Classification: Uncertain significance for Cardiomyopathy. Last evaluated: 2024-07-10. Review status: criteria provided, single submitter. Criteria: ACMG Guidelines, 2015. Collection method: clinical testing. Allele origin: germline.
Comment: This missense variant replaces glycine with aspartic acid at codon 50 of the DSC2 protein. Computational prediction suggests that this variant may not impact protein structure and function (internally defined REVEL score threshold <= 0.5, PMID: 27666373). To our knowledge, functional studies have not been reported for this variant. This variant has not been reported in individuals affected with DSC2-related disorders in the literature. This variant has been identified in 9/282702 chromosomes in the general population by the Genome Aggregation Database (gnomAD). The available evidence is insufficient to determine the role of this variant in disease conclusively. Therefore, this variant is classified as a Variant of Uncertain Significance.

CHEO Genetics Diagnostic Laboratory, Children's Hospital of Eastern Ontario
Classification: Uncertain significance for Cardiomyopathy. Last evaluated: 2023-03-13. Review status: criteria provided, single submitter. Criteria: ACMG Guidelines, 2015. Collection method: clinical testing. Allele origin: germline.

Ambry Genetics
Classification: Likely benign for Cardiovascular phenotype. Last evaluated: 2022-07-06. Review status: criteria provided, single submitter. Criteria: Ambry Variant Classification Scheme 2023. Collection method: clinical testing. Allele origin: germline.

Laboratory for Molecular Medicine, Mass General Brigham Personalized Medicine
Classification: Uncertain significance. Last evaluated: 2012-05-10. Review status: criteria provided, single submitter. Criteria: LMM Criteria. Collection method: clinical testing. Allele origin: germline. Observed: 1 variant allele.
Comment: The Gly50Asp variant in DSC2 has not been reported in the literature nor previou sly identified by our laboratory. Computational analyses (biochemical amino acid properties, conservation, AlignGVGD, PolyPhen2, and SIFT) do not provide strong support for or against an impact to the protein. Additional information is need ed to fully assess the clinical significance of this variant.

NM_024422.6(DSC2):c.149G>A (p.Gly50Asp)

Gene: DSC2 (desmocollin 2; minus strand). Cytogenetic location: 18q12.1.
Variant type: single nucleotide variant.
Coding change: c.149G>A on transcript NM_024422.6 (MANE Select); coding-DNA position 149, G replaced by A.
Protein change: p.Gly50Asp; replaces glycine 50 with aspartic acid.
Molecular consequence: missense variant.
Genome position (GRCh38, 1-based): chr18:31,093,564, C>T on the plus strand (G>A on the coding strand, the complement: DSC2 is on the minus strand). VCF-style: chr18-31093564-C-T. GRCh37 (hg19) VCF-style: chr18-28673527-C-T.
Other names: c.149G>A, p.Gly50Asp (NM_004949.5); short protein forms G50D.
Identifiers: ClinVar variation 46166 (VCV000046166.21), dbSNP rs397517391, ClinGen allele CA022474.
Genomic context (GRCh38, chr18:31,093,564, plus strand): 5'-GCGTATATGTACCACAGCAAAACAGGATTTATTACAAATTTTAGGGCTTCCTTACCTCTA[C>T]CAACAAGTTTCTCGGCATCTAGTTTGGAGGGAACATGTAATGTCACATTTTTGCAGGCAT-3'
Protein context (NP_077740.1, residues 40-60): PSKLDAEKLV[Gly50Asp]RVNLKECFTA